The following is an entry in ClinVar:

NM_000405.5(GM2A):c.14T>C (p.Met5Thr)

Gene: GM2A (ganglioside GM2 activator; plus strand). Cytogenetic location: 5q33.1.
Variant type: single nucleotide variant.
Coding change: c.14T>C on transcript NM_000405.5 (MANE Select); coding-DNA position 14, T replaced by C.
Protein change: p.Met5Thr; replaces methionine 5 with threonine.
Molecular consequence: missense variant.
Genome position (GRCh38, 1-based): chr5:151,253,230, T>C. VCF-style: chr5-151253230-T-C. GRCh37 (hg19) VCF-style: chr5-150632791-T-C.
Other names: c.14T>C, p.Met5Thr (NM_001167607.3); short protein forms M5T.
Identifiers: ClinVar variation 2561453 (VCV002561453.3), dbSNP rs759249002, ClinGen allele CA3517832.

ClinVar aggregate classification (germline): Uncertain significance. Review status: criteria provided, multiple submitters, no conflicts (2 of 4 stars). 2 submissions from 2 submitters: Uncertain significance (2). Last evaluated 2025-06-23.

Conditions:
Tay-Sachs disease, variant AB. Also called: GM2 Activator Deficiency; Gm2-gangliosidosis, ab variant. Identifiers: Orphanet 309246, MedGen C0268275, MONDO:0010099, OMIM 272750.
Inborn genetic diseases. Identifiers: MedGen C0950123, MeSH D030342.

Allele frequency attached by ClinVar (database versions not stated): ExAC 0.00002; gnomAD 0.00004; TOPMed 0.00004.
gnomAD v4.1: 128 of 1,614,030 alleles (0.0079%); highest among the groups gnomAD compares: Non-Finnish European, 0.01%; no homozygotes.

Submissions (2):

Labcorp Genetics (formerly Invitae), Labcorp
Classification: Uncertain significance for Tay-Sachs disease, variant AB. Last evaluated: 2025-06-23. Review status: criteria provided, single submitter. Criteria: Invitae Variant Classification Sherloc (09022015). Collection method: clinical testing. Allele origin: germline.
Comment: This sequence change replaces methionine, which is neutral and non-polar, with threonine, which is neutral and polar, at codon 5 of the GM2A protein (p.Met5Thr). This variant is present in population databases (rs759249002, gnomAD 0.005%). This variant has not been reported in the literature in individuals affected with GM2A-related conditions. ClinVar contains an entry for this variant (Variation ID: 2561453). Experimental studies and prediction algorithms are not available or were not evaluated, and the functional significance of this variant is currently unknown. In summary, the available evidence is currently insufficient to determine the role of this variant in disease. Therefore, it has been classified as a Variant of Uncertain Significance.

Ambry Genetics
Classification: Uncertain significance for Inborn genetic diseases. Last evaluated: 2023-04-08. Review status: criteria provided, single submitter. Criteria: Ambry Variant Classification Scheme 2023. Collection method: clinical testing. Allele origin: germline.